The following is an entry in ClinVar:

NM_001348768.2(HECW2):c.1240G>A (p.Asp414Asn)

Gene: HECW2 (HECT, C2 and WW domain containing E3 ubiquitin protein ligase 2; minus strand). Cytogenetic location: 2q32.3.
Variant type: single nucleotide variant.
Coding change: c.1240G>A on transcript NM_001348768.2 (MANE Select); coding-DNA position 1240, G replaced by A.
Protein change: p.Asp414Asn; replaces aspartic acid 414 with asparagine.
Molecular consequence: missense variant.
Genome position (GRCh38, 1-based): chr2:196,319,650, C>T on the plus strand (G>A on the coding strand, the complement: HECW2 is on the minus strand). VCF-style: chr2-196319650-C-T. GRCh37 (hg19) VCF-style: chr2-197184374-C-T.
Other names: c.172G>A, p.Asp58Asn (NM_001304840.3); c.1240G>A, p.Asp414Asn (NM_020760.4); c.1240G>A (NM_020760.1); short protein forms D414N, D58N.
Identifiers: ClinVar variation 1690762 (VCV001690762.3), dbSNP rs764436402, ClinGen allele CA349966638.

ClinVar aggregate classification (germline): Uncertain significance. Review status: criteria provided, multiple submitters, no conflicts (2 of 4 stars). 2 submissions from 2 submitters: Uncertain significance (2). Last evaluated 2024-08-27.

Conditions:
Inborn genetic diseases. Identifiers: MedGen C0950123, MeSH D030342.

Submissions (2):

Ambry Genetics
Classification: Uncertain significance for Inborn genetic diseases. Last evaluated: 2024-08-27. Review status: criteria provided, single submitter. Criteria: Ambry Variant Classification Scheme 2023. Collection method: clinical testing. Allele origin: germline.

Laboratorio de Genetica e Diagnostico Molecular, Hospital Israelita Albert Einstein
Classification: Uncertain significance. Last evaluated: 2020-01-03. Review status: criteria provided, single submitter. Criteria: ACMG Guidelines, 2015. Collection method: clinical testing. Allele origin: germline. Affected: yes.
Comment: ACMG classification criteria: PM2, PP2, BP4